The following is an entry in ClinVar:

NM_001006658.3(CR2):c.2301C>A (p.Phe767Leu)

Gene: CR2 (complement C3d receptor 2; plus strand). Cytogenetic location: 1q32.2.
Variant type: single nucleotide variant.
Coding change: c.2301C>A on transcript NM_001006658.3 (MANE Select); coding-DNA position 2301, C replaced by A.
Protein change: p.Phe767Leu; replaces phenylalanine 767 with leucine.
Molecular consequence: missense variant.
Genome position (GRCh38, 1-based): chr1:207,474,301, C>A. VCF-style: chr1-207474301-C-A. GRCh37 (hg19) VCF-style: chr1-207647646-C-A.
Other names: c.2124C>A, p.Phe708Leu (NM_001877.5); short protein forms F708L, F767L.
Identifiers: ClinVar variation 970422 (VCV000970422.7), dbSNP rs772684748, ClinGen allele CA1368945.

ClinVar aggregate classification (germline): Uncertain significance. Review status: criteria provided, multiple submitters, no conflicts (2 of 4 stars). 3 submissions from 3 submitters: Uncertain significance (2). 1 of the submissions does not count toward it. Last evaluated 2025-05-07.

Conditions:
Inborn genetic diseases. Identifiers: MedGen C0950123, MeSH D030342.
Immunodeficiency, common variable, 7. Identifiers: Orphanet 1572, Orphanet 696894, MedGen C3542922, MONDO:0013862, OMIM 614699.
CR2-related disorder. Also called: CR2-related condition; CR2-related disorders.

Allele frequency attached by ClinVar (database versions not stated): gnomAD exomes 0.00002 and 0.00001; gnomAD 0.00004 and 0.00005; ExAC 0.00002; TOPMed 0.00005.
gnomAD v4.1: 16 of 1,612,216 alleles (0.00099%); highest among the groups gnomAD compares: Middle Eastern, 0.016%; no homozygotes.

Submissions (3):

Ambry Genetics
Classification: Uncertain significance for Inborn genetic diseases. Last evaluated: 2025-05-07. Review status: criteria provided, single submitter. Criteria: Ambry Variant Classification Scheme 2023. Collection method: clinical testing. Allele origin: germline.

Labcorp Genetics (formerly Invitae), Labcorp
Classification: Uncertain significance for Immunodeficiency, common variable, 7. Last evaluated: 2022-09-07. Review status: criteria provided, single submitter. Criteria: Invitae Variant Classification Sherloc (09022015). Collection method: clinical testing. Allele origin: germline.
Comment: This sequence change replaces phenylalanine, which is neutral and non-polar, with leucine, which is neutral and non-polar, at codon 767 of the CR2 protein (p.Phe767Leu). This variant is present in population databases (rs772684748, gnomAD 0.02%). This variant has not been reported in the literature in individuals affected with CR2-related conditions. ClinVar contains an entry for this variant (Variation ID: 970422). Algorithms developed to predict the effect of missense changes on protein structure and function output the following: SIFT: "Tolerated"; PolyPhen-2: "Benign"; Align-GVGD: "Class C0". The leucine amino acid residue is found in multiple mammalian species, which suggests that this missense change does not adversely affect protein function. In summary, the available evidence is currently insufficient to determine the role of this variant in disease. Therefore, it has been classified as a Variant of Uncertain Significance.

PreventionGenetics, part of Exact Sciences
Classification: Uncertain significance for CR2-related condition. Last evaluated: 2024-08-21. Review status: no assertion criteria provided. Collection method: clinical testing. Allele origin: germline. Not counted in ClinVar's aggregate classification.
Comment: The CR2 c.2301C>A variant is predicted to result in the amino acid substitution p.Phe767Leu. To our knowledge, this variant has not been reported in the literature. This variant is reported in 0.016% of alleles in individuals of African descent in gnomAD. At this time, the clinical significance of this variant is uncertain due to the absence of conclusive functional and genetic evidence.